The following is an entry in ClinVar:

ClinVar aggregate classification (germline): Uncertain significance (1 of 4 stars; one submission).

Conditions:
FAM20B-related disorder.

gnomAD v4.1: 1 of 1,611,180 alleles (0.000062%); highest among the groups gnomAD compares: South Asian, 0.0011%; no homozygotes.

Submission:

3billion
Classification: Uncertain significance for FAM20B-related disorder. Last evaluated: 2025-08-02. Review status: criteria provided, single submitter. Criteria: ACMG Guidelines, 2015. Collection method: clinical testing. Allele origin: germline. Affected: yes.
Comment: The variant is observed at an extremely low frequency in the gnomAD v4.1.0 dataset (total allele frequency: <0.001%). Predicted Consequence/Location: Canonical splice site variant: predicted to alter splicing and result in a loss or disruption of normal protein function. In silico tools predict the variant to alter splicing and produce an abnormal transcript [SpliceAI: 1.00 (spliceogenicity >=0.2, non-spliceogenicity <0.1)]. Therefore, this variant is classified as VUS according to the recommendation of ACMG/AMP guideline.

NM_014864.4(FAM20B):c.938+1G>A

Gene: FAM20B (FAM20B glycosaminoglycan xylosylkinase; plus strand). Cytogenetic location: 1q25.2.
Variant type: single nucleotide variant.
Coding change: c.938+1G>A on transcript NM_014864.4 (MANE Select); the canonical splice donor site of the intron after coding-DNA position 938, G replaced by A.
Molecular consequence: splice donor variant.
Genome position (GRCh38, 1-based): chr1:179,064,497, G>A. VCF-style: chr1-179064497-G-A. GRCh37 (hg19) VCF-style: chr1-179033632-G-A.
Other names: c.938+1G>A (NM_001324310.2, NM_001324311.2).
Identifiers: ClinVar variation 4853920 (VCV004853920.1).